The following is an entry in ClinVar:

NM_007347.5(AP4E1):c.319C>T (p.Gln107Ter)

Gene: AP4E1 (adaptor related protein complex 4 subunit epsilon 1; plus strand). Cytogenetic location: 15q21.2.
Variant type: single nucleotide variant.
Coding change: c.319C>T on transcript NM_007347.5 (MANE Select); coding-DNA position 319, C replaced by T.
Protein change: p.Gln107Ter; replaces glutamine 107 with a stop codon.
Molecular consequence: nonsense.
Genome position (GRCh38, 1-based): chr15:50,915,544, C>T. VCF-style: chr15-50915544-C-T. GRCh37 (hg19) VCF-style: chr15-51207741-C-T.
Other names: c.94C>T, p.Gln32Ter (NM_001252127.2); short protein forms Q107*, Q32*.
Identifiers: ClinVar variation 4292135 (VCV004292135.1).

ClinVar aggregate classification (germline): Pathogenic (1 of 4 stars; one submission).

Conditions:
Hereditary spastic paraplegia 51. Also called: Spastic paraplegia 51, autosomal recessive; CEREBRAL PALSY, SPASTIC QUADRIPLEGIC, 4. Identifiers: Orphanet 280763, MedGen C3151056, MONDO:0013401, OMIM 613744.

Submission:

3billion
Classification: Pathogenic for Hereditary spastic paraplegia 51. Last evaluated: 2025-01-10. Review status: criteria provided, single submitter. Criteria: ACMG Guidelines, 2015. Collection method: clinical testing. Allele origin: germline. Affected: yes.
Comment: The variant is not observed in the gnomAD v4.1.0 dataset. Predicted Consequence/Location: Stop-gained (nonsense): predicted to result in a loss or disruption of normal protein function through nonsense-mediated decay (NMD) or protein truncation. Multiple pathogenic variants are reported downstream of the variant. Therefore, this variant is classified as Pathogenic according to the recommendation of ACMG/AMP guideline.